The following is an entry in ClinVar:

ClinVar aggregate classification (germline): Uncertain significance (1 of 4 stars; one submission).

Conditions:
Ataxia-telangiectasia syndrome (AT). Also called: ATAXIA-TELANGIECTASIA, COMPLEMENTATION GROUP A; ATAXIA-TELANGIECTASIA, FRESNO VARIANT; Ataxia-telangiectasia, complementation group D; AT, COMPLEMENTATION GROUP C; Cerebello-oculocutaneous telangiectasia; Immunodeficiency with ataxia telangiectasia. Identifiers: Orphanet 100, MedGen C0004135, MONDO:0008840, OMIM 208900.

Submission:

Labcorp Genetics (formerly Invitae), Labcorp
Classification: Uncertain significance for Ataxia-telangiectasia syndrome. Last evaluated: 2020-05-30. Review status: criteria provided, single submitter. Criteria: Invitae Variant Classification Sherloc (09022015). Collection method: clinical testing. Allele origin: germline.
Comment: This variant has not been reported in the literature in individuals with ATM-related conditions. This variant is not present in population databases (ExAC no frequency). This sequence change replaces valine with glycine at codon 1160 of the ATM protein (p.Val1160Gly). The valine residue is weakly conserved and there is a moderate physicochemical difference between valine and glycine. In summary, the available evidence is currently insufficient to determine the role of this variant in disease. Therefore, it has been classified as a Variant of Uncertain Significance. Algorithms developed to predict the effect of missense changes on protein structure and function (SIFT, PolyPhen-2, Align-GVGD) all suggest that this variant is likely to be tolerated, but these predictions have not been confirmed by published functional studies and their clinical significance is uncertain.

NM_000051.4(ATM):c.3479T>G (p.Val1160Gly)

Gene: ATM (ATM serine/threonine kinase; plus strand). Cytogenetic location: 11q22.3.
Variant type: single nucleotide variant.
Coding change: c.3479T>G on transcript NM_000051.4 (MANE Select); coding-DNA position 3479, T replaced by G.
Protein change: p.Val1160Gly; replaces valine 1160 with glycine.
Molecular consequence: missense variant.
Genome position (GRCh38, 1-based): chr11:108,281,071, T>G. VCF-style: chr11-108281071-T-G. GRCh37 (hg19) VCF-style: chr11-108151798-T-G.
Other names: c.3479T>G, p.Val1160Gly (NM_001351834.2); short protein forms V1160G.
Identifiers: ClinVar variation 1047205 (VCV001047205.8), dbSNP rs12788427, ClinGen allele CA228364936.